The following is an entry in ClinVar:

NM_001267550.2(TTN):c.42121G>A (p.Ala14041Thr)

Gene: TTN (titin; minus strand). Cytogenetic location: 2q31.2.
Variant type: single nucleotide variant.
Coding change: c.42121G>A on transcript NM_001267550.2 (MANE Select); coding-DNA position 42121, G replaced by A.
Protein change: p.Ala14041Thr; replaces alanine 14041 with threonine.
Molecular consequence: missense variant.
Genome position (GRCh38, 1-based): chr2:178,634,753, C>T on the plus strand (G>A on the coding strand, the complement: TTN is on the minus strand). VCF-style: chr2-178634753-C-T. GRCh37 (hg19) VCF-style: chr2-179499480-C-T.
Other names: c.37198G>A, p.Ala12400Thr (NM_001256850.1); c.14926G>A, p.Ala4976Thr (NM_003319.4); c.34417G>A, p.Ala11473Thr (NM_133378.4); c.15301G>A, p.Ala5101Thr (NM_133432.3); c.15502G>A, p.Ala5168Thr (NM_133437.4); short protein forms A11473T, A12400T, A14041T, A4976T, A5101T, A5168T.
Identifiers: ClinVar variation 928524 (VCV000928524.1), dbSNP rs2060215943, ClinGen allele CA349655829.

ClinVar aggregate classification (germline): Uncertain significance (1 of 4 stars; one submission).

Submission:

Women's Health and Genetics/Laboratory Corporation of America, LabCorp
Classification: Uncertain significance. Last evaluated: 2019-12-16. Review status: criteria provided, single submitter. Criteria: LabCorp Variant Classification Summary - May 2015. Collection method: clinical testing. Allele origin: germline.
Comment: Variant summary: TTN c.34417G>A (p.Ala11473Thr) results in a non-conservative amino acid change located in the I-band of the encoded protein sequence. Four of five in-silico tools predict a damaging effect of the variant on protein function. The variant was absent in 248468 control chromosomes. The available data on variant occurrences in the general population are insufficient to allow any conclusion about variant significance. To our knowledge, no occurrence of c.34417G>A in individuals affected with Cardiomyopathy and no experimental evidence demonstrating its impact on protein function have been reported. No clinical diagnostic laboratories have submitted clinical-significance assessments for this variant to ClinVar after 2014. Based on the evidence outlined above, the variant was classified as uncertain significance.